The following is an entry in ClinVar:

NM_000059.4(BRCA2):c.3682A>G (p.Asn1228Asp)

Gene: BRCA2 (BRCA2 DNA repair associated; plus strand). Cytogenetic location: 13q13.1.
Variant type: single nucleotide variant.
Coding change: c.3682A>G on transcript NM_000059.4 (MANE Select); coding-DNA position 3682, A replaced by G.
Protein change: p.Asn1228Asp; replaces asparagine 1228 with aspartic acid.
Molecular consequence: missense variant.
Genome position (GRCh38, 1-based): chr13:32,338,037, A>G. VCF-style: chr13-32338037-A-G. GRCh37 (hg19) VCF-style: chr13-32912174-A-G.
Other names: p.N1228D:AAT>GAT; 3910A>G; short protein forms N1228D.
Identifiers: ClinVar variation 37852 (VCV000037852.63), dbSNP rs28897722, ClinGen allele CA018564.
Genomic context (GRCh38, chr13:32,338,037, plus strand): 5'-TTAACAGATGAAAATGAAGTGGGGTTTAGGGGCTTTTATTCTGCTCATGGCACAAAACTG[A>G]ATGTTTCTACTGAAGCTCTGCAAAAAGCTGTGAAACTGTTTAGTGATATTGAGAATATTA-3'
Protein context (NP_000050.3, residues 1218-1238): GFYSAHGTKL[Asn1228Asp]VSTEALQKAV

ClinVar aggregate classification (germline): Benign. Review status: reviewed by expert panel (3 of 4 stars). 22 submissions from 22 submitters: Benign (1). 21 of the submissions do not count toward it. Last evaluated 2015-08-10.

Conditions:
Hereditary cancer-predisposing syndrome. Also called: Neoplastic Syndromes, Hereditary; Tumor predisposition; Hereditary Cancer Syndrome; Hereditary neoplastic syndrome. Identifiers: Orphanet 140162, MedGen C0027672, MeSH D009386, MONDO:0015356.
Hereditary breast ovarian cancer syndrome. Also called: Hereditary breast and ovarian cancer; Breast and ovarian cancer; Hereditary breast and/or ovarian cancer syndrome; Hereditary breast and ovarian cancer syndrome (HBOC); Hereditary breast and ovarian cancer syndrome; BRCA1- and BRCA2-Associated Hereditary Breast and Ovarian Cancer. Identifiers: Orphanet 145, MedGen C0677776, MeSH D061325, MONDO:0003582. Disease mechanism: loss of function.
Breast-ovarian cancer, familial, susceptibility to, 2 (BROVCA2). Also called: BRCA2 Hereditary Breast and Ovarian Cancer. Identifiers: Orphanet 145, MedGen C2675520, MONDO:0012933, OMIM 612555. Disease mechanism: loss of function.

Allele frequency attached by ClinVar (database versions not stated): gnomAD 0.00003; gnomAD exomes 0.00004 and 0.00005; ExAC 0.00005; TOPMed 0.00006.

Submissions 1 to 20 of 22:

Evidence-based Network for the Interpretation of Germline Mutant Alleles (ENIGMA)
Classification: Benign for Breast-ovarian cancer, familial 2. Last evaluated: 2015-08-10. Review status: reviewed by expert panel. Criteria: ENIGMA BRCA1/2 Classification Criteria (2015). Collection method: curation. Allele origin: germline.
Comment: IARC class based on posterior probability from multifactorial likelihood analysis, thresholds for class as per Plon et al. 2008 (PMID: 18951446). Class 1 based on posterior probability = 0.00000548

Labcorp Genetics (formerly Invitae), Labcorp
Classification: Benign for Hereditary breast ovarian cancer syndrome. Last evaluated: 2026-01-20. Review status: criteria provided, single submitter. Criteria: Invitae Variant Classification Sherloc (09022015). Collection method: clinical testing. Allele origin: germline. Not counted in ClinVar's aggregate classification.

Center for Genomic Medicine, Rigshospitalet, Copenhagen University Hospital
Classification: Benign. Last evaluated: 2025-12-29. Review status: criteria provided, single submitter. Criteria: ACMG Guidelines, 2015. Collection method: clinical testing. Allele origin: germline. Not counted in ClinVar's aggregate classification.

Blueprint Genetics
Classification: Likely benign. Last evaluated: 2024-09-25. Review status: criteria provided, single submitter. Criteria: ACMG Guidelines, 2015. Collection method: clinical testing. Allele origin: germline. Not counted in ClinVar's aggregate classification.

KCCC/NGS Laboratory, Kuwait Cancer Control Center
Classification: Benign for Breast-ovarian cancer, familial, susceptibility to, 2. Last evaluated: 2023-07-07. Review status: criteria provided, single submitter. Criteria: ACMG Guidelines, 2015. Collection method: clinical testing. Allele origin: germline. Affected: yes. Not counted in ClinVar's aggregate classification.

CeGaT Center for Human Genetics Tuebingen
Classification: Likely benign. Last evaluated: 2023-03-01. Review status: criteria provided, single submitter. Criteria: CeGaT Center For Human Genetics Tuebingen Variant Classification Criteria Version 2. Collection method: clinical testing. Allele origin: germline. Affected: yes. Observed: 2 variant alleles. Not counted in ClinVar's aggregate classification.
Comment: BRCA2: BP4

Sema4
Classification: Likely benign for Hereditary cancer-predisposing syndrome. Last evaluated: 2021-03-14. Review status: criteria provided, single submitter. Criteria: Sema4 Curation Guidelines. Collection method: curation. Allele origin: germline. Not counted in ClinVar's aggregate classification.

Women's Health and Genetics/Laboratory Corporation of America, LabCorp
Classification: Benign. Last evaluated: 2020-10-27. Review status: criteria provided, single submitter. Criteria: LabCorp Variant Classification Summary - May 2015. Collection method: clinical testing. Allele origin: germline. Not counted in ClinVar's aggregate classification.
Comment: Variant summary: BRCA2 c.3682A>G (p.Asn1228Asp) results in a conservative amino acid change located in the BRCA2 repeat of the encoded protein sequence. Three of five in-silico tools predict a benign effect of the variant on protein function. The variant allele was found at a frequency of 4e-05 in 249496 control chromosomes. This frequency is not significantly higher than expected for a pathogenic variant in BRCA2 causing Hereditary Breast And Ovarian Cancer Syndrome (4e-05 vs 0.00075), allowing no conclusion about variant significance. c.3682A>G has been reported in the literature in cohorts of individuals with breast cancer (example, Capalbo_2006, DeBrakeleer_2015, Giannini_2006, Romano_2007, Seymour_2008, Maxwell_2016, Ikeda_2016). These report(s) do not provide unequivocal conclusions about association of the variant with Hereditary Breast And Ovarian Cancer Syndrome. Multifactorial probability models have reported a neutral outcome for this variant (Lindor_2012). At-least two co-occurrences with another pathogenic variant have been reported in the BIC database (BRCA2 c.6468_6469delTC, p.Ser2156_Gln2157SerIlefs), providing supporting evidence for a benign role. At least one publication reports experimental evidence evaluating an impact on protein function by a high throughput functional screen (Ikegami_2020). These results showed no damaging effect of this variant as measured by tolerance to treatment with PARP inhibitors. Eight clinical diagnostic laboratories and one expert panel (ENIGMA, classification as benign) have submitted clinical-significance assessments for this variant to ClinVar after 2014 without evidence for independent evaluation (benign, n=3, likely benign, n=4, VUS, n=1). Some submitters cite overlapping evidence utilized in the context of this evaluation. Based on the absence of conclusive evidence supporting an actionable outcome as outlined above and to reflect the majority consensus classification in the field, the variant was classified as benign.

GeneDx
Classification: Likely benign. Last evaluated: 2020-06-10. Review status: criteria provided, single submitter. Criteria: GeneDx Variant Classification Process June 2021. Collection method: clinical testing. Allele origin: germline. Affected: yes. Not counted in ClinVar's aggregate classification.
Comment: This variant is associated with the following publications: (PMID: 18724707, 27153395, 17924331, 24323938, 26010302, 16847550, 16760289, 21990134, 32444794)

Mendelics
Classification: Likely benign for Breast-ovarian cancer, familial, susceptibility to, 2. Last evaluated: 2019-05-28. Review status: criteria provided, single submitter. Criteria: Mendelics Assertion Criteria 2017. Collection method: clinical testing. Allele origin: unknown. Not counted in ClinVar's aggregate classification.

PreventionGenetics, part of Exact Sciences
Classification: Likely benign. Last evaluated: 2018-01-24. Review status: criteria provided, single submitter. Criteria: ACMG Guidelines, 2015. Collection method: clinical testing. Allele origin: germline. Not counted in ClinVar's aggregate classification.

Genome Diagnostics Laboratory, University Medical Center Utrecht
Classification: Likely benign for Breast-ovarian cancer, familial, susceptibility to, 2. Last evaluated: 2017-07-28. Review status: criteria provided, single submitter. Criteria: ACGS Guidelines, 2013. Collection method: clinical testing. Allele origin: germline. Affected: yes. Study: VKGL Data-share Consensus. Not counted in ClinVar's aggregate classification.

Genomic Diagnostic Laboratory, Division of Genomic Diagnostics, Children's Hospital of Philadelphia
Classification: Uncertain significance for Hereditary Breast and Ovarian Cancer. Last evaluated: 2015-11-20. Review status: criteria provided, single submitter. Criteria: DGD Variant Analysis Guidelines. Collection method: clinical testing. Allele origin: unknown. Not counted in ClinVar's aggregate classification.

Clinical Genetics DNA and cytogenetics Diagnostics Lab, Erasmus MC, Erasmus Medical Center
Classification: Benign for Breast-ovarian cancer, familial, susceptibility to, 2. Last evaluated: 2015-09-21. Review status: criteria provided, single submitter. Criteria: ACGS Guidelines, 2013. Collection method: clinical testing. Allele origin: germline. Affected: yes. Study: VKGL Data-share Consensus. Not counted in ClinVar's aggregate classification.

Color Diagnostics, LLC DBA Color Health
Classification: Likely benign for Hereditary cancer-predisposing syndrome. Last evaluated: 2015-03-10. Review status: criteria provided, single submitter. Criteria: ACMG Guidelines, 2015. Collection method: clinical testing. Allele origin: germline. Not counted in ClinVar's aggregate classification.

Ambry Genetics
Classification: Benign for Hereditary cancer-predisposing syndrome. Last evaluated: 2014-11-19. Review status: criteria provided, single submitter. Criteria: Ambry Variant Classification Scheme 2023. Collection method: clinical testing. Allele origin: germline. Not counted in ClinVar's aggregate classification.

Counsyl
Classification: Likely benign for Breast-ovarian cancer, familial 2. Last evaluated: 2014-10-31. Review status: no assertion criteria provided. Collection method: literature only. Allele origin: unknown. Inheritance: Autosomal dominant inheritance. Not counted in ClinVar's aggregate classification.

Sharing Clinical Reports Project (SCRP)
Classification: Benign for Breast-ovarian cancer, familial 2. Last evaluated: 2012-05-01. Review status: no assertion criteria provided. Collection method: clinical testing. Allele origin: germline. Not counted in ClinVar's aggregate classification.

Breast Cancer Information Core (BIC) (BRCA2)
Classification: Uncertain significance for Breast-ovarian cancer, familial 2. Last evaluated: 2002-05-29. Review status: no assertion criteria provided. Collection method: clinical testing. Allele origin: germline. Affected: yes. Observed: 7 variant alleles. Not counted in ClinVar's aggregate classification.

Clinical Genetics Laboratory, Department of Pathology, Netherlands Cancer Institute
Classification: Benign. Review status: no assertion criteria provided. Collection method: clinical testing. Allele origin: germline. Affected: yes. Study: VKGL Data-share Consensus. Not counted in ClinVar's aggregate classification.